The following is an entry in ClinVar:

NM_015316.3(PPP1R13B):c.3123C>T (p.His1041=)

Gene: PPP1R13B (protein phosphatase 1 regulatory subunit 13B; minus strand). Cytogenetic location: 14q32.33.
Variant type: single nucleotide variant.
Coding change: c.3123C>T on transcript NM_015316.3 (MANE Select); coding-DNA position 3123, C replaced by T.
Protein change: p.His1041=; no amino-acid change (histidine 1041 retained).
Molecular consequence: synonymous variant.
Genome position (GRCh38, 1-based): chr14:103,736,111, G>A on the plus strand (C>T on the coding strand, the complement: PPP1R13B is on the minus strand). VCF-style: chr14-103736111-G-A. GRCh37 (hg19) VCF-style: chr14-104202448-G-A.
Identifiers: ClinVar variation 2644591 (VCV002644591.24), dbSNP rs200754439, ClinGen allele CA7367215.
Genomic context (GRCh38, chr14:103,736,111, plus strand): 5'-CCACCACCACTCAGTCTCGCTTTCGTCCTTGCGCCTCAGGATGGTGAGGGCGTCCCCTTC[G>A]TGGAAGGACAGCTCGTCACTGTTCTGGGCCTCGTAGTCCCACAGAGCATACGCCACACCT-3'
Protein context (NP_056131.2, residues 1031-1051): EAQNSDELSF[His1041=]EGDALTILRR

ClinVar aggregate classification (germline): Likely benign (1 of 4 stars; one submission).

Allele frequency attached by ClinVar (database versions not stated): TOPMed 0.00008; gnomAD exomes 0.00014; ESP Exome Variant Server 0.00024.
gnomAD v4.1: 213 of 1,614,104 alleles (0.013%); highest among the groups gnomAD compares: Non-Finnish European, 0.016%; no homozygotes.

Submission:

CeGaT Center for Human Genetics Tuebingen
Classification: Likely benign. Last evaluated: 2022-12-01. Review status: criteria provided, single submitter. Criteria: CeGaT Center For Human Genetics Tuebingen Variant Classification Criteria Version 2. Collection method: clinical testing. Allele origin: germline. Affected: yes. Observed: 1 variant allele.
Comment: PPP1R13B: BP4, BP7